The following is an entry in ClinVar:

NM_017780.4(CHD7):c.1126A>G (p.Met376Val)

Gene: CHD7 (chromodomain helicase DNA binding protein 7; plus strand). Cytogenetic location: 8q12.2.
Variant type: single nucleotide variant.
Coding change: c.1126A>G on transcript NM_017780.4 (MANE Select); coding-DNA position 1126, A replaced by G.
Protein change: p.Met376Val; replaces methionine 376 with valine.
Molecular consequence: missense variant.
Genome position (GRCh38, 1-based): chr8:60,742,558, A>G. VCF-style: chr8-60742558-A-G. GRCh37 (hg19) VCF-style: chr8-61655117-A-G.
Other names: c.1126A>G, p.Met376Val (NM_001316690.1); short protein forms M376V.
Identifiers: ClinVar variation 1053999 (VCV001053999.9), dbSNP rs1317332713, ClinGen allele CA371301475.

ClinVar aggregate classification (germline): Uncertain significance (1 of 4 stars; one submission).

Conditions:
CHARGE syndrome (CHARGE). Also called: Hittner Hirsch Kreh syndrome; CHARGE ASSOCIATION--COLOBOMA, HEART ANOMALY, CHOANAL ATRESIA, RETARDATION, GENITAL AND EAR ANOMALIES; Coloboma, heart anomaly, choanal atresia, retardation, genital and ear anomalies; CHARGE association; Hall-Hittner syndrome. Identifiers: Orphanet 138, MedGen C0265354, MONDO:0008965.

Allele frequency attached by ClinVar (database versions not stated): TOPMed below 0.00001.

Submission:

Labcorp Genetics (formerly Invitae), Labcorp
Classification: Uncertain significance for CHARGE syndrome. Last evaluated: 2024-11-11. Review status: criteria provided, single submitter. Criteria: Invitae Variant Classification Sherloc (09022015). Collection method: clinical testing. Allele origin: germline.
Comment: This sequence change replaces methionine, which is neutral and non-polar, with valine, which is neutral and non-polar, at codon 376 of the CHD7 protein (p.Met376Val). This variant is not present in population databases (gnomAD no frequency). This variant has not been reported in the literature in individuals affected with CHD7-related conditions. ClinVar contains an entry for this variant (Variation ID: 1053999). Invitae Evidence Modeling of protein sequence and biophysical properties (such as structural, functional, and spatial information, amino acid conservation, physicochemical variation, residue mobility, and thermodynamic stability) indicates that this missense variant is not expected to disrupt CHD7 protein function with a negative predictive value of 95%. In summary, the available evidence is currently insufficient to determine the role of this variant in disease. Therefore, it has been classified as a Variant of Uncertain Significance.